The following is an entry in ClinVar:

ClinVar aggregate classification (germline): Likely benign. Review status: criteria provided, multiple submitters, no conflicts (2 of 4 stars). 3 submissions from 3 submitters: Likely benign (2). 1 of the submissions does not count toward it. Last evaluated 2025-08-24.

Conditions:
Cardiovascular phenotype. Identifiers: MedGen CN230736.
Hypercholesterolemia, autosomal dominant, type B (FHCL2). Also called: Familial Hypercholesterolemia Type B; APOB-Related Familial Hypercholesterolemia, Autosomal Dominant; Hyperlipoproteinemia Type IIb; APOLIPOPROTEIN B-100, FAMILIAL DEFECTIVE; APOLIPOPROTEIN B-100, FAMILIAL LIGAND-DEFECTIVE; Familial hypercholesterolemia 2. Identifiers: MedGen C1704417, MONDO:0007751, OMIM 144010.
Familial hypobetalipoproteinemia 1. Also called: APOB-Related Familial Hypobetalipoproteinemia; Hypobetalipoproteinemia, normotriglyceridemic; Acanthocytosis with hypobetalipoproteinemia. Identifiers: MedGen C4551990, MONDO:0014252, OMIM 615558.
APOB-related disorder. Also called: APOB-related disorders; APOB-related condition.

Allele frequency attached by ClinVar (database versions not stated): gnomAD exomes 0.00002; ExAC 0.00003; TOPMed 0.00005; gnomAD 0.00008; 1000 Genomes Project 30x 0.00016; 1000 Genomes Project 0.00020; ESP Exome Variant Server 0.00023.
gnomAD v4.1: 15 of 1,614,224 alleles (0.00093%); highest among the groups gnomAD compares: Middle Eastern, 0.016%; no homozygotes.

Submissions (3):

Labcorp Genetics (formerly Invitae), Labcorp
Classification: Likely benign for Familial hypobetalipoproteinemia 1; Hypercholesterolemia, autosomal dominant, type B. Last evaluated: 2025-08-24. Review status: criteria provided, single submitter. Criteria: Invitae Variant Classification Sherloc (09022015). Collection method: clinical testing. Allele origin: germline.

Ambry Genetics
Classification: Likely benign for Cardiovascular phenotype. Last evaluated: 2022-07-27. Review status: criteria provided, single submitter. Criteria: Ambry Variant Classification Scheme 2023. Collection method: clinical testing. Allele origin: germline.

PreventionGenetics, part of Exact Sciences
Classification: Likely benign for APOB-related condition. Last evaluated: 2024-02-25. Review status: no assertion criteria provided. Collection method: clinical testing. Allele origin: germline. Not counted in ClinVar's aggregate classification.
Comment: This variant is classified as likely benign based on ACMG/AMP sequence variant interpretation guidelines (Richards et al. 2015 PMID: 25741868, with internal and published modifications).

NM_000384.3(APOB):c.5622G>A (p.Gly1874=)

Gene: APOB (apolipoprotein B; minus strand). Cytogenetic location: 2p24.1.
Variant type: single nucleotide variant.
Coding change: c.5622G>A on transcript NM_000384.3 (MANE Select); coding-DNA position 5622, G replaced by A.
Protein change: p.Gly1874=; no amino-acid change (glycine 1874 retained).
Molecular consequence: synonymous variant.
Genome position (GRCh38, 1-based): chr2:21,011,246, C>T on the plus strand (G>A on the coding strand, the complement: APOB is on the minus strand). VCF-style: chr2-21011246-C-T. GRCh37 (hg19) VCF-style: chr2-21234118-C-T.
Identifiers: ClinVar variation 739816 (VCV000739816.17), dbSNP rs144849403, ClinGen allele CA062290.